The following is an entry in ClinVar:

ClinVar aggregate classification (germline): Uncertain significance (1 of 4 stars; one submission).

gnomAD v4.1: 1 of 1,613,702 alleles (0.000062%); highest among the groups gnomAD compares: Admixed American, 0.0017%; no homozygotes.

Submission:

Labcorp Genetics (formerly Invitae), Labcorp
Classification: Uncertain significance. Last evaluated: 2025-10-13. Review status: criteria provided, single submitter. Criteria: Invitae Variant Classification Sherloc (09022015). Collection method: clinical testing. Allele origin: germline.
Comment: This sequence change replaces valine, which is neutral and non-polar, with isoleucine, which is neutral and non-polar, at codon 100 of the DCHS1 protein (p.Val100Ile). This variant is not present in population databases (gnomAD no frequency). This variant has not been reported in the literature in individuals affected with DCHS1-related conditions. Invitae Evidence Modeling of protein sequence and biophysical properties (such as structural, functional, and spatial information, amino acid conservation, physicochemical variation, residue mobility, and thermodynamic stability) indicates that this missense variant is not expected to disrupt DCHS1 protein function with a negative predictive value of 80%. In summary, the available evidence is currently insufficient to determine the role of this variant in disease. Therefore, it has been classified as a Variant of Uncertain Significance.

NM_003737.4(DCHS1):c.298G>A (p.Val100Ile)

Gene: DCHS1 (dachsous cadherin-related 1; minus strand). Cytogenetic location: 11p15.4.
Variant type: single nucleotide variant.
Coding change: c.298G>A on transcript NM_003737.4 (MANE Select); coding-DNA position 298, G replaced by A.
Protein change: p.Val100Ile; replaces valine 100 with isoleucine.
Molecular consequence: missense variant.
Genome position (GRCh38, 1-based): chr11:6,641,316, C>T on the plus strand (G>A on the coding strand, the complement: DCHS1 is on the minus strand). VCF-style: chr11-6641316-C-T. GRCh37 (hg19) VCF-style: chr11-6662547-C-T.
Other names: short protein forms V100I.
Identifiers: ClinVar variation 4701485 (VCV004701485.1).
Genomic context (GRCh38, chr11:6,641,316, plus strand): 5'-CTGCAGTGAAGCGGTAGCGGTCCCGCTGCTCACGGTCCAAGACACGGGCTGTACGGACGA[C>T]CCCACTGTGTTCGTCAATGGCCAGGTCTGTGCCCACGCCGCTGCCCTCTTGGGCAGAGAT-3'
Protein context (NP_003728.1, residues 90-110): TDLAIDEHSG[Val100Ile]VRTARVLDRE